The following is an entry in ClinVar:

ClinVar aggregate classification (germline): Benign. Review status: criteria provided, multiple submitters, no conflicts (2 of 4 stars). 8 submissions from 8 submitters: Benign (6). 2 of the submissions do not count toward it. Last evaluated 2026-05-09.

Allele frequency attached by ClinVar (database versions not stated): gnomAD exomes 0.02602 and 0.04052; ExAC 0.05135; 1000 Genomes Project 0.06989; ESP Exome Variant Server 0.07013; gnomAD 0.07047 and 0.07350; 1000 Genomes Project 30x 0.07121; TOPMed 0.07598.
gnomAD v4.1: 49,008 of 1,610,114 alleles (3%); highest among the groups gnomAD compares: African/African-American, 19%; 1,937 homozygotes.

Submissions (8):

Women's Health and Genetics/Laboratory Corporation of America, LabCorp
Classification: Benign. Last evaluated: 2026-05-09. Review status: criteria provided, single submitter. Criteria: LabCorp Variant Classification Summary - May 2015. Collection method: clinical testing. Allele origin: germline.

Labcorp Genetics (formerly Invitae), Labcorp
Classification: Benign. Last evaluated: 2026-02-04. Review status: criteria provided, single submitter. Criteria: Invitae Variant Classification Sherloc (09022015). Collection method: clinical testing. Allele origin: germline.

Blueprint Genetics
Classification: Benign. Last evaluated: 2024-11-26. Review status: criteria provided, single submitter. Criteria: ACMG Guidelines, 2015. Collection method: clinical testing. Allele origin: germline.

GeneDx
Classification: Benign. Last evaluated: 2016-10-10. Review status: criteria provided, single submitter. Criteria: GeneDx Variant Classification (06012015). Collection method: clinical testing. Allele origin: germline. Affected: yes.
Comment: This variant is considered likely benign or benign based on one or more of the following criteria: it is a conservative change, it occurs at a poorly conserved position in the protein, it is predicted to be benign by multiple in silico algorithms, and/or has population frequency not consistent with disease.

Breakthrough Genomics
Classification: Benign. Review status: criteria provided, single submitter. Criteria: ACMG Guidelines, 2015. Collection method: not provided. Allele origin: germline. Inheritance: Autosomal recessive inheritance. Affected: yes.

PreventionGenetics, part of Exact Sciences
Classification: Benign. Review status: criteria provided, single submitter. Criteria: ACMG Guidelines, 2015. Collection method: clinical testing. Allele origin: germline.

Genome Diagnostics Laboratory, Amsterdam University Medical Center
Classification: Benign. Review status: no assertion criteria provided. Collection method: clinical testing. Allele origin: germline. Affected: yes. Study: VKGL Data-share Consensus. Not counted in ClinVar's aggregate classification.

Joint Genome Diagnostic Labs from Nijmegen and Maastricht, Radboudumc and MUMC+
Classification: Benign. Review status: no assertion criteria provided. Collection method: clinical testing. Allele origin: germline. Affected: yes. Study: VKGL Data-share Consensus. Not counted in ClinVar's aggregate classification.

NM_001852.4(COL9A2):c.1793-17T>C

Gene: COL9A2 (collagen type IX alpha 2 chain; minus strand). Cytogenetic location: 1p34.2.
Variant type: single nucleotide variant.
Coding change: c.1793-17T>C on transcript NM_001852.4 (MANE Select); 17 bases into the intron before coding-DNA position 1793, T replaced by C.
Molecular consequence: intron variant.
Genome position (GRCh38, 1-based): chr1:40,301,906, A>G on the plus strand (T>C on the coding strand, the complement: COL9A2 is on the minus strand). VCF-style: chr1-40301906-A-G. GRCh37 (hg19) VCF-style: chr1-40767578-A-G.
Identifiers: ClinVar variation 258378 (VCV000258378.16), dbSNP rs6674856, ClinGen allele CA791323.
Genomic context (GRCh38, chr1:40,301,906, plus strand): 5'-CCCCCGTCCCACTTCTCCTGGATCACCCTTCTCTCCACGTTTTCCTGTAGACAAAAAAGG[A>G]AATCTTCATTTTTCAGAATTGGAAAATGCTTTTCCTCTATTTTTTGCTATGTTTCACGCA-3'